The following is an entry in ClinVar:

NM_138694.4(PKHD1):c.4605C>T (p.His1535=)

Genes: PKHD1 (PKHD1 ciliary IPT domain containing fibrocystin/polyductin; minus strand), LOC126859690 (MED14-independent group 3 enhancer GRCh37_chr6:51888848-51890047; plus strand). Cytogenetic location: 6p12.2.
Variant type: single nucleotide variant.
Coding change: c.4605C>T on transcript NM_138694.4 (MANE Select); coding-DNA position 4605, C replaced by T.
Protein change: p.His1535=; no amino-acid change (histidine 1535 retained).
Molecular consequence: synonymous variant.
Genome position (GRCh38, 1-based): chr6:52,025,205, G>A on the plus strand (C>T on the coding strand, the complement: PKHD1 is on the minus strand). VCF-style: chr6-52025205-G-A. GRCh37 (hg19) VCF-style: chr6-51890003-G-A.
Other names: c.4605C>T, p.His1535= (NM_170724.3); c.4605C>T (NM_138694.3).
Identifiers: ClinVar variation 1156884 (VCV001156884.10), dbSNP rs1156915554, ClinGen allele CA450614333.

ClinVar aggregate classification (germline): Likely benign. Review status: criteria provided, multiple submitters, no conflicts (2 of 4 stars). 2 submissions from 2 submitters: Likely benign (2). Last evaluated 2026-05-08.

Conditions:
PKHD1-related disorder. Also called: PKHD1-related condition.
Autosomal recessive polycystic kidney disease (ARPKD). Also called: AR polycystic kidney disease. Identifiers: Orphanet 731, Orphanet 8378, MedGen C0085548, MeSH D017044, MONDO:0009889.

Allele frequency attached by ClinVar (database versions not stated): gnomAD exomes below 0.00001; TOPMed below 0.00001; gnomAD 0.00001.
gnomAD v4.1: 7 of 1,614,040 alleles (0.00043%); highest among the groups gnomAD compares: African/African-American, 0.0013%; no homozygotes.

Submissions (2):

PreventionGenetics, part of Exact Sciences
Classification: Likely benign for PKHD1-related condition. Last evaluated: 2026-05-08. Review status: criteria provided, single submitter. Criteria: ACMG Guidelines, 2015. Collection method: clinical testing. Allele origin: germline.
Comment: This variant is classified as likely benign based on ACMG/AMP sequence variant interpretation guidelines (Richards et al. 2015 PMID: 25741868, with internal and published modifications).

Labcorp Genetics (formerly Invitae), Labcorp
Classification: Likely benign for Autosomal recessive polycystic kidney disease. Last evaluated: 2023-09-26. Review status: criteria provided, single submitter. Criteria: Invitae Variant Classification Sherloc (09022015). Collection method: clinical testing. Allele origin: germline.